The following is an entry in ClinVar:

NM_001100913.3(PACS2):c.796G>A (p.Asp266Asn)

Gene: PACS2 (phosphofurin acidic cluster sorting protein 2; plus strand). Cytogenetic location: 14q32.33.
Variant type: single nucleotide variant.
Coding change: c.796G>A on transcript NM_001100913.3 (MANE Select); coding-DNA position 796, G replaced by A.
Protein change: p.Asp266Asn; replaces aspartic acid 266 with asparagine.
Molecular consequence: missense variant.
Genome position (GRCh38, 1-based): chr14:105,369,895, G>A. VCF-style: chr14-105369895-G-A. GRCh37 (hg19) VCF-style: chr14-105836232-G-A.
Other names: c.796G>A (NM_001100913.2); c.571G>A, p.Asp191Asn (NM_001243127.3); c.796G>A, p.Asp266Asn (NM_015197.4); short protein forms D191N, D266N.
Identifiers: ClinVar variation 2800706 (VCV002800706.4), dbSNP rs2061086525, ClinGen allele CA391176387.

ClinVar aggregate classification (germline): Uncertain significance. Review status: criteria provided, multiple submitters, no conflicts (2 of 4 stars). 2 submissions from 2 submitters: Uncertain significance (2). Last evaluated 2025-03-27.

Conditions:
Inborn genetic diseases. Identifiers: MedGen C0950123, MeSH D030342.

Allele frequency attached by ClinVar (database versions not stated): TOPMed below 0.00001.
gnomAD v4.1: 6 of 1,602,170 alleles (0.00037%); highest among the groups gnomAD compares: Non-Finnish European, 0.00051%; no homozygotes.

Submissions (2):

Ambry Genetics
Classification: Uncertain significance for Inborn genetic diseases. Last evaluated: 2025-03-27. Review status: criteria provided, single submitter. Criteria: Ambry Variant Classification Scheme 2023. Collection method: clinical testing. Allele origin: germline.

Labcorp Genetics (formerly Invitae), Labcorp
Classification: Uncertain significance. Last evaluated: 2024-08-29. Review status: criteria provided, single submitter. Criteria: Invitae Variant Classification Sherloc (09022015). Collection method: clinical testing. Allele origin: germline.
Comment: This sequence change replaces aspartic acid, which is acidic and polar, with asparagine, which is neutral and polar, at codon 266 of the PACS2 protein (p.Asp266Asn). This variant is not present in population databases (gnomAD no frequency). This variant has not been reported in the literature in individuals affected with PACS2-related conditions. An algorithm developed to predict the effect of missense changes on protein structure and function (PolyPhen-2) suggests that this variant is likely to be disruptive. In summary, the available evidence is currently insufficient to determine the role of this variant in disease. Therefore, it has been classified as a Variant of Uncertain Significance.